The following is an entry in ClinVar:

NM_001100.4(ACTA1):c.1018T>G (p.Ser340Ala)

Gene: ACTA1 (actin alpha 1, skeletal muscle; minus strand). Cytogenetic location: 1q42.13.
Variant type: single nucleotide variant.
Coding change: c.1018T>G on transcript NM_001100.4 (MANE Select); coding-DNA position 1018, T replaced by G.
Protein change: p.Ser340Ala; replaces serine 340 with alanine.
Molecular consequence: missense variant.
Genome position (GRCh38, 1-based): chr1:229,431,615, A>C on the plus strand (T>G on the coding strand, the complement: ACTA1 is on the minus strand). VCF-style: chr1-229431615-A-C. GRCh37 (hg19) VCF-style: chr1-229567362-A-C.
Other names: short protein forms S340A.
Identifiers: ClinVar variation 2847225 (VCV002847225.3), dbSNP rs2527435635, ClinGen allele CA345144826.

ClinVar aggregate classification (germline): Uncertain significance (1 of 4 stars; one submission).

Conditions:
Actin accumulation myopathy (CMYO2A). Also called: Myopathy, actin, congenital, with cores; Nemaline myopathy 3, with intranuclear rods; Nemaline myopathy type 3; Myopathy, actin, congenital, with excess of thin myofilaments; CONGENITAL MYOPATHY 2A, TYPICAL, AUTOSOMAL DOMINANT. Identifiers: Orphanet 98904, MedGen C3711389, MONDO:0008070, OMIM 161800.

Submission:

Labcorp Genetics (formerly Invitae), Labcorp
Classification: Uncertain significance for Actin accumulation myopathy. Last evaluated: 2023-04-07. Review status: criteria provided, single submitter. Criteria: Invitae Variant Classification Sherloc (09022015). Collection method: clinical testing. Allele origin: germline.
Comment: In summary, the available evidence is currently insufficient to determine the role of this variant in disease. Therefore, it has been classified as a Variant of Uncertain Significance. Advanced modeling of protein sequence and biophysical properties (such as structural, functional, and spatial information, amino acid conservation, physicochemical variation, residue mobility, and thermodynamic stability) performed at Invitae indicates that this missense variant is not expected to disrupt ACTA1 protein function. This variant has not been reported in the literature in individuals affected with ACTA1-related conditions. This variant is not present in population databases (gnomAD no frequency). This sequence change replaces serine, which is neutral and polar, with alanine, which is neutral and non-polar, at codon 340 of the ACTA1 protein (p.Ser340Ala).